The following is an entry in ClinVar:

ClinVar aggregate classification (germline): Uncertain significance. Review status: criteria provided, multiple submitters, no conflicts (2 of 4 stars). 2 submissions from 2 submitters: Uncertain significance (2). Last evaluated 2026-02-16.

Conditions:
Inborn genetic diseases. Identifiers: MedGen C0950123, MeSH D030342.

Allele frequency attached by ClinVar (database versions not stated): ExAC 0.00001; gnomAD exomes 0.00001; ESP Exome Variant Server 0.00008.
gnomAD v4.1: 16 of 1,614,240 alleles (0.00099%); highest among the groups gnomAD compares: Non-Finnish European, 0.0013%; no homozygotes.

Submissions (2):

Ambry Genetics
Classification: Uncertain significance for Inborn genetic diseases. Last evaluated: 2026-02-16. Review status: criteria provided, single submitter. Criteria: Ambry Variant Classification Scheme 2023. Collection method: clinical testing. Allele origin: germline.
Comment: The c.1388A>G (p.Y463C) alteration is located in exon 2 (coding exon 2) of the BPTF gene. This alteration results from a A to G substitution at nucleotide position 1388, causing the tyrosine (Y) at amino acid position 463 to be replaced by a cysteine (C). Based on data from gnomAD, the G allele has an overall frequency of 0.001% (2/282502) total alleles studied. The highest observed frequency was 0.002% (2/128870) of European (non-Finnish) alleles. Based on insufficient or conflicting evidence, the clinical significance of this alteration remains unclear.

Labcorp Genetics (formerly Invitae), Labcorp
Classification: Uncertain significance. Last evaluated: 2023-07-12. Review status: criteria provided, single submitter. Criteria: Invitae Variant Classification Sherloc (09022015). Collection method: clinical testing. Allele origin: germline.
Comment: This sequence change replaces tyrosine, which is neutral and polar, with cysteine, which is neutral and slightly polar, at codon 463 of the BPTF protein (p.Tyr463Cys). This variant is present in population databases (rs373529800, gnomAD 0.002%). This variant has not been reported in the literature in individuals affected with BPTF-related conditions. An algorithm developed to predict the effect of missense changes on protein structure and function (PolyPhen-2) suggests that this variant is likely to be disruptive. In summary, the available evidence is currently insufficient to determine the role of this variant in disease. Therefore, it has been classified as a Variant of Uncertain Significance.

NM_182641.4(BPTF):c.1388A>G (p.Tyr463Cys)

Gene: BPTF (bromodomain PHD finger transcription factor; plus strand). Cytogenetic location: 17q24.2.
Variant type: single nucleotide variant.
Coding change: c.1388A>G on transcript NM_182641.4 (MANE Select); coding-DNA position 1388, A replaced by G.
Protein change: p.Tyr463Cys; replaces tyrosine 463 with cysteine.
Molecular consequence: missense variant.
Genome position (GRCh38, 1-based): chr17:67,854,714, A>G. VCF-style: chr17-67854714-A-G. GRCh37 (hg19) VCF-style: chr17-65850830-A-G.
Other names: c.1388A>G, p.Tyr463Cys (NM_004459.7); c.1388A>G (NM_182641.3); short protein forms Y463C.
Identifiers: ClinVar variation 2881225 (VCV002881225.4), dbSNP rs373529800, ClinGen allele CA8725120.